The following is an entry in ClinVar:

NM_001040142.2(SCN2A):c.974A>G (p.His325Arg)

Gene: SCN2A (sodium voltage-gated channel alpha subunit 2; plus strand). Cytogenetic location: 2q24.3.
Variant type: single nucleotide variant.
Coding change: c.974A>G on transcript NM_001040142.2 (MANE Select); coding-DNA position 974, A replaced by G.
Protein change: p.His325Arg; replaces histidine 325 with arginine.
Molecular consequence: missense variant.
Genome position (GRCh38, 1-based): chr2:165,312,028, A>G. VCF-style: chr2-165312028-A-G. GRCh37 (hg19) VCF-style: chr2-166168538-A-G.
Other names: c.974A>G, p.His325Arg (NM_001040143.2, NM_001371246.1, NM_001371247.1 and 1 more transcripts); short protein forms H325R.
Identifiers: ClinVar variation 1348133 (VCV001348133.9), dbSNP rs2105251421, ClinGen allele CA349019607.

ClinVar aggregate classification (germline): Uncertain significance. Review status: criteria provided, multiple submitters, no conflicts (2 of 4 stars). 2 submissions from 2 submitters: Uncertain significance (2). Last evaluated 2025-06-12.

Conditions:
SCN2A-related disorder. Also called: SCN2A-related condition; SCN2A-related disorders. Identifiers: MedGen CN382226, MONDO:1060245.
Seizures, benign familial infantile, 3 (BFIS3). Also called: CONVULSIONS, BENIGN FAMILIAL INFANTILE, 3; Familial neonatal seizures. Identifiers: Orphanet 140927, Orphanet 306, MedGen C1843140, MONDO:0011904, OMIM 607745.
Developmental and epileptic encephalopathy, 11 (DEE11). Also called: Early infantile epileptic encephalopathy 11. Identifiers: Orphanet 1934, MedGen C3150987, MONDO:0013388, OMIM 613721.

Submissions (2):

Rady Children's Institute for Genomic Medicine, Rady Children's Hospital San Diego
Classification: Uncertain significance for SCN2A-related disorders. Last evaluated: 2025-06-12. Review status: criteria provided, single submitter. Criteria: ACMG Guidelines, 2015. Collection method: clinical testing. Allele origin: germline. Affected: yes.
Comment: Missense variation is an established mechanism of disease for SCN2A-related disorders (PMID: 31904126). The c.974A>G (p.His325Arg) variant affects a highly conserved amino acid; however, in silico tools used to predict the effect of this variant on protein function yield discordant results. This variant has not been previously reported or functionally characterized in the literature to our knowledge. The c.974A>G (p.His325Arg) variant is absent from the gnomAD v4 population database and thus is presumed to be rare. Based on the available evidence, c.974A>G (p.His325Arg) is classified as a Variant of Uncertain Significance.

Labcorp Genetics (formerly Invitae), Labcorp
Classification: Uncertain significance for Seizures, benign familial infantile, 3; Developmental and epileptic encephalopathy, 11. Last evaluated: 2024-10-16. Review status: criteria provided, single submitter. Criteria: Invitae Variant Classification Sherloc (09022015). Collection method: clinical testing. Allele origin: germline.
Comment: This sequence change replaces histidine, which is basic and polar, with arginine, which is basic and polar, at codon 325 of the SCN2A protein (p.His325Arg). This variant is not present in population databases (gnomAD no frequency). This variant has not been reported in the literature in individuals affected with SCN2A-related conditions. ClinVar contains an entry for this variant (Variation ID: 1348133). Invitae Evidence Modeling of protein sequence and biophysical properties (such as structural, functional, and spatial information, amino acid conservation, physicochemical variation, residue mobility, and thermodynamic stability) indicates that this missense variant is not expected to disrupt SCN2A protein function with a negative predictive value of 95%. In summary, the available evidence is currently insufficient to determine the role of this variant in disease. Therefore, it has been classified as a Variant of Uncertain Significance.

Literature cited by the submitters: PubMed 31904126 (cited by Rady Children's Institute for Genomic Medicine, Rady Children's Hospital San Diego).